The following is an entry in ClinVar:

ClinVar aggregate classification (germline): Uncertain significance (1 of 4 stars; one submission).

Conditions:
Familial adenomatous polyposis 1 (FAP1). Also called: FAMILIAL ADENOMATOUS POLYPOSIS 1, ATTENUATED; POLYPOSIS, ADENOMATOUS INTESTINAL. Identifiers: MedGen C2713442, MONDO:0021056, OMIM 175100. Disease mechanism: loss of function.

Submission:

Labcorp Genetics (formerly Invitae), Labcorp
Classification: Uncertain significance for Familial adenomatous polyposis 1. Last evaluated: 2022-12-17. Review status: criteria provided, single submitter. Criteria: Invitae Variant Classification Sherloc (09022015). Collection method: clinical testing. Allele origin: germline.
Comment: In summary, the available evidence is currently insufficient to determine the role of this variant in disease. Therefore, it has been classified as a Variant of Uncertain Significance. Experimental studies and prediction algorithms are not available or were not evaluated, and the functional significance of this variant is currently unknown. This variant has not been reported in the literature in individuals affected with APC-related conditions. Information on the frequency of this variant in the gnomAD database is not available, as this variant may be reported differently in the database. This variant occurs in a non-coding region of the APC gene. It does not change the encoded amino acid sequence of the APC protein.

NM_001127511.3(APC):c.-134_-133delinsCG

Gene: APC (APC regulator of Wnt signaling pathway; plus strand). Cytogenetic location: 5q22.2.
Variant type: Indel.
Coding change: c.-134_-133delinsCG on transcript NM_001127511.3; 134 bases upstream of the start codon through 133 bases upstream of the start codon, TC replaced by CG.
Molecular consequence: 5 prime UTR variant. On other transcripts: non-coding transcript variant (2).
Genome position (GRCh38, 1-based): chr5:112,707,584-112,707,585, TC replaced by CG. VCF-style: chr5-112707584-TC-CG. GRCh37 (hg19) VCF-style: chr5-112043281-TC-CG.
Other names: c.-317_-316delinsCG (NM_001354895.2, NM_001407447.1, NM_001407452.1 and 3 more transcripts); c.-134_-133delinsCG (NM_001354897.2, NM_001354902.2, NM_001407446.1); c.-84_-83delinsCG (NM_001407448.1, NM_001407450.1, NM_001407457.1 and 1 more transcripts); c.-108_-107delinsCG (NM_001407453.1); c.-1352_-1351delinsCG (NM_001407470.1, NM_001407472.1).
Identifiers: ClinVar variation 1021420 (VCV001021420.9), dbSNP rs1750581459, ClinGen allele CA1573442485.